The following is an entry in ClinVar:

ClinVar aggregate classification (germline): Uncertain significance (1 of 4 stars; one submission).

gnomAD v4.1: 12 of 1,550,764 alleles (0.00077%); highest among the groups gnomAD compares: Admixed American, 0.02%; no homozygotes.

Submission:

Labcorp Genetics (formerly Invitae), Labcorp
Classification: Uncertain significance. Last evaluated: 2024-09-11. Review status: criteria provided, single submitter. Criteria: Invitae Variant Classification Sherloc (09022015). Collection method: clinical testing. Allele origin: germline.
Comment: This sequence change replaces methionine, which is neutral and non-polar, with isoleucine, which is neutral and non-polar, at codon 479 of the GREB1L protein (p.Met479Ile). This variant is present in population databases (no rsID available, gnomAD 0.03%). This variant has not been reported in the literature in individuals affected with GREB1L-related conditions. An algorithm developed to predict the effect of missense changes on protein structure and function outputs the following: PolyPhen-2: "Benign". The isoleucine amino acid residue is found in multiple mammalian species, which suggests that this missense change does not adversely affect protein function. In summary, the available evidence is currently insufficient to determine the role of this variant in disease. Therefore, it has been classified as a Variant of Uncertain Significance.

NM_001142966.3(GREB1L):c.1437G>A (p.Met479Ile)

Genes: GREB1L (GREB1 like retinoic acid receptor coactivator; plus strand), GREB1L-AS1 (GREB1L antisense RNA 1; minus strand). Cytogenetic location: 18q11.1.
Variant type: single nucleotide variant.
Coding change: c.1437G>A on transcript NM_001142966.3 (MANE Select); coding-DNA position 1437, G replaced by A.
Protein change: p.Met479Ile; replaces methionine 479 with isoleucine.
Molecular consequence: missense variant. On other transcripts: intron variant (1).
Genome position (GRCh38, 1-based): chr18:21,449,553, G>A. VCF-style: chr18-21449553-G-A. GRCh37 (hg19) VCF-style: chr18-19029514-G-A.
Other names: c.1566G>A, p.Met522Ile (NM_001410867.1); c.1394-1470G>A (NM_001410868.1); short protein forms M479I, M522I.
Identifiers: ClinVar variation 3718395 (VCV003718395.2).